The following is an entry in ClinVar:

NM_177438.3(DICER1):c.851G>T (p.Cys284Phe)

Gene: DICER1 (dicer 1, ribonuclease III; minus strand). Cytogenetic location: 14q32.13.
Variant type: single nucleotide variant.
Coding change: c.851G>T on transcript NM_177438.3 (MANE Select); coding-DNA position 851, G replaced by T.
Protein change: p.Cys284Phe; replaces cysteine 284 with phenylalanine.
Molecular consequence: missense variant.
Genome position (GRCh38, 1-based): chr14:95,126,632, C>A on the plus strand (G>T on the coding strand, the complement: DICER1 is on the minus strand). VCF-style: chr14-95126632-C-A. GRCh37 (hg19) VCF-style: chr14-95592969-C-A.
Other names: c.851G>T, p.Cys284Phe (NM_001195573.1, NM_001271282.3, NM_001291628.2 and 1 more transcripts); short protein forms C284F.
Identifiers: ClinVar variation 1396876 (VCV001396876.9), dbSNP rs1566806728, ClinGen allele CA390887531.

ClinVar aggregate classification (germline): Uncertain significance (1 of 4 stars; one submission).

Conditions:
DICER1-related tumor predisposition. Also called: DICER1 syndrome; DICER1-related pleuropulmonary blastoma cancer predisposition syndrome. Identifiers: Orphanet 284343, MedGen C3839822, MONDO:0100216.

Submission:

Labcorp Genetics (formerly Invitae), Labcorp
Classification: Uncertain significance for DICER1-related tumor predisposition. Last evaluated: 2022-07-26. Review status: criteria provided, single submitter. Criteria: Invitae Variant Classification Sherloc (09022015). Collection method: clinical testing. Allele origin: germline.
Comment: This sequence change replaces cysteine, which is neutral and slightly polar, with phenylalanine, which is neutral and non-polar, at codon 284 of the DICER1 protein (p.Cys284Phe). In summary, the available evidence is currently insufficient to determine the role of this variant in disease. Therefore, it has been classified as a Variant of Uncertain Significance. Algorithms developed to predict the effect of missense changes on protein structure and function (SIFT, PolyPhen-2, Align-GVGD) all suggest that this variant is likely to be tolerated. ClinVar contains an entry for this variant (Variation ID: 1396876). This variant has not been reported in the literature in individuals affected with DICER1-related conditions. This variant is not present in population databases (gnomAD no frequency).